The following is an entry in ClinVar:

ClinVar aggregate classification (germline): Pathogenic (1 of 4 stars; one submission).

Submission:

Labcorp Genetics (formerly Invitae), Labcorp
Classification: Pathogenic. Last evaluated: 2025-08-22. Review status: criteria provided, single submitter. Criteria: Invitae Variant Classification Sherloc (09022015). Collection method: clinical testing. Allele origin: germline.
Comment: This sequence change creates a premature translational stop signal (p.Trp321*) in the CFP gene. It is expected to result in an absent or disrupted protein product. Loss-of-function variants in CFP are known to be pathogenic (PMID: 8530058, 9476131, 10698340, 10909851, 19328743, 22229731). This variant is not present in population databases (gnomAD no frequency). This premature translational stop signal has been observed in individual(s) with clinical features of CFP-related conditions (PMID: 27577878). For these reasons, this variant has been classified as Pathogenic.

Literature cited by the submitters: PubMed 8530058; PubMed 9476131; PubMed 10698340; PubMed 10909851; PubMed 19328743; PubMed 22229731; PubMed 27577878.

NM_001145252.3(CFP):c.963G>A (p.Trp321Ter)

Gene: CFP (complement factor properdin; minus strand). Cytogenetic location: Xp11.23.
Variant type: single nucleotide variant.
Coding change: c.963G>A on transcript NM_001145252.3 (MANE Select); coding-DNA position 963, G replaced by A.
Protein change: p.Trp321Ter; replaces tryptophan 321 with a stop codon.
Molecular consequence: nonsense.
Genome position (GRCh38, 1-based): chrX:47,626,497, C>T on the plus strand (G>A on the coding strand, the complement: CFP is on the minus strand). VCF-style: chrX-47626497-C-T. GRCh37 (hg19) VCF-style: chrX-47485896-C-T.
Other names: c.963G>A, p.Trp321Ter (NM_002621.2); short protein forms W321*.
Identifiers: ClinVar variation 4715864 (VCV004715864.1).